The following is an entry in ClinVar:

NM_001378457.1(DMXL2):c.6371A>G (p.Tyr2124Cys)

Gene: DMXL2 (Dmx like 2; minus strand). Cytogenetic location: 15q21.2.
Variant type: single nucleotide variant.
Coding change: c.6371A>G on transcript NM_001378457.1 (MANE Select); coding-DNA position 6371, A replaced by G.
Protein change: p.Tyr2124Cys; replaces tyrosine 2124 with cysteine.
Molecular consequence: missense variant. On other transcripts: non-coding transcript variant (2).
Genome position (GRCh38, 1-based): chr15:51,480,735, T>C on the plus strand (A>G on the coding strand, the complement: DMXL2 is on the minus strand). VCF-style: chr15-51480735-T-C. GRCh37 (hg19) VCF-style: chr15-51772932-T-C.
Other names: c.6371A>G (NM_001174116.1); c.6371A>G, p.Tyr2124Cys (NM_001174116.3, NM_001378458.1, NM_001378459.1 and 4 more transcripts); c.4463A>G, p.Tyr1488Cys (NM_001174117.3); c.4352A>G, p.Tyr1451Cys (NM_001378460.1); c.6131A>G, p.Tyr2044Cys (NM_001378464.1); short protein forms Y1488C, Y2124C, Y1451C, Y2044C.
Identifiers: ClinVar variation 1904385 (VCV001904385.3), dbSNP rs770401582, ClinGen allele CA7561649.

ClinVar aggregate classification (germline): Uncertain significance. Review status: criteria provided, multiple submitters, no conflicts (2 of 4 stars). 2 submissions from 2 submitters: Uncertain significance (2). Last evaluated 2025-09-10.

Conditions:
Inborn genetic diseases. Identifiers: MedGen C0950123, MeSH D030342.

Allele frequency attached by ClinVar (database versions not stated): ExAC 0.00001; TOPMed 0.00002.
gnomAD v4.1: 16 of 1,602,438 alleles (0.001%); highest among the groups gnomAD compares: East Asian, 0.027%; no homozygotes.

Submissions (2):

Ambry Genetics
Classification: Uncertain significance for Inborn genetic diseases. Last evaluated: 2025-09-10. Review status: criteria provided, single submitter. Criteria: Ambry Variant Classification Scheme 2023. Collection method: clinical testing. Allele origin: germline.

Labcorp Genetics (formerly Invitae), Labcorp
Classification: Uncertain significance. Last evaluated: 2022-05-04. Review status: criteria provided, single submitter. Criteria: Invitae Variant Classification Sherloc (09022015). Collection method: clinical testing. Allele origin: germline.
Comment: This sequence change replaces tyrosine, which is neutral and polar, with cysteine, which is neutral and slightly polar, at codon 2124 of the DMXL2 protein (p.Tyr2124Cys). This variant is present in population databases (rs770401582, gnomAD 0.006%). This variant has not been reported in the literature in individuals affected with DMXL2-related conditions. Algorithms developed to predict the effect of missense changes on protein structure and function are either unavailable or do not agree on the potential impact of this missense change (SIFT: "Deleterious"; PolyPhen-2: "Probably Damaging"; Align-GVGD: "Class C0"). In summary, the available evidence is currently insufficient to determine the role of this variant in disease. Therefore, it has been classified as a Variant of Uncertain Significance.